The following is an entry in ClinVar:

NM_001378778.1(MPDZ):c.1229T>C (p.Ile410Thr)

Gene: MPDZ (multiple PDZ domain crumbs cell polarity complex component; minus strand). Cytogenetic location: 9p23.
Variant type: single nucleotide variant.
Coding change: c.1229T>C on transcript NM_001378778.1 (MANE Select); coding-DNA position 1229, T replaced by C.
Protein change: p.Ile410Thr; replaces isoleucine 410 with threonine.
Molecular consequence: missense variant.
Genome position (GRCh38, 1-based): chr9:13,216,835, A>G on the plus strand (T>C on the coding strand, the complement: MPDZ is on the minus strand). VCF-style: chr9-13216835-A-G. GRCh37 (hg19) VCF-style: chr9-13216834-A-G.
Other names: c.1229T>C (NM_003829.4); c.1229T>C, p.Ile410Thr (NM_001261406.2, NM_001261407.2, NM_001330637.2 and 14 more transcripts); short protein forms I410T.
Identifiers: ClinVar variation 2288171 (VCV002288171.3), dbSNP rs368710215, ClinGen allele CA4987853.

ClinVar aggregate classification (germline): Uncertain significance. Review status: criteria provided, multiple submitters, no conflicts (2 of 4 stars). 2 submissions from 2 submitters: Uncertain significance (2). Last evaluated 2025-10-22.

Conditions:
MPDZ-related disorder. Also called: MPDZ-related condition.
Inborn genetic diseases. Identifiers: MedGen C0950123, MeSH D030342.

Allele frequency attached by ClinVar (database versions not stated): gnomAD exomes below 0.00001; ExAC 0.00001; gnomAD 0.00007; TOPMed 0.00007; ESP Exome Variant Server 0.00008.
gnomAD v4.1: 15 of 1,609,950 alleles (0.00093%); highest among the groups gnomAD compares: African/African-American, 0.017%; no homozygotes.

Submissions (2):

PreventionGenetics, part of Exact Sciences
Classification: Uncertain significance for MPDZ-related condition. Last evaluated: 2025-10-22. Review status: criteria provided, single submitter. Criteria: ACMG Guidelines, 2015. Collection method: clinical testing. Allele origin: germline.
Comment: The MPDZ c.1229T>C variant is predicted to result in the amino acid substitution p.Ile410Thr. To our knowledge, this variant has not been reported in the literature. This variant is reported in 0.013% of alleles in individuals of African descent in gnomAD. At this time, the clinical significance of this variant is uncertain due to the absence of conclusive functional and genetic evidence.

Ambry Genetics
Classification: Uncertain significance for Inborn genetic diseases. Last evaluated: 2022-05-09. Review status: criteria provided, single submitter. Criteria: Ambry Variant Classification Scheme 2023. Collection method: clinical testing. Allele origin: germline.